The following is an entry in ClinVar:

NM_001267550.2(TTN):c.97417del (p.Arg32473fs)

Genes: TTN (titin; minus strand), TTN-AS1 (TTN antisense RNA 1; plus strand). Cytogenetic location: 2q31.2.
Variant type: Deletion.
Coding change: c.97417del on transcript NM_001267550.2 (MANE Select); coding-DNA position 97417, one base deleted (C; older notation c.97417delC).
Protein change: p.Arg32473fs; shifts the reading frame from arginine 32473.
Molecular consequence: frameshift variant. On other transcripts: non-coding transcript variant (1).
Genome position (GRCh38, 1-based): chr2:178,542,339, G deleted on the plus strand (C on the coding strand, the reverse complement: TTN is on the minus strand); the first of 2 consecutive G bases (chr2:178,542,339-178,542,340); deleting either gives the same sequence. VCF-style (leftmost placement, unchanged base first): chr2-178542338-CG-C. GRCh37 (hg19) VCF-style: chr2-179407065-CG-C.
Other names: c.92494del, p.Arg30832fs (NM_001256850.1); c.70222del, p.Arg23408fs (NM_003319.4); c.89713del, p.Arg29905fs (NM_133378.4); c.70597del, p.Arg23533fs (NM_133432.3); c.70798del, p.Arg23600fs (NM_133437.4); c.70222delC (NM_003319.4); short protein forms R23408fs, R23533fs, R23600fs, R29905fs, R30832fs, R32473fs.
Identifiers: ClinVar variation 3223341 (VCV003223341.4), dbSNP rs2468887048, ClinGen allele CA2586965286.
Genomic context (GRCh38, chr2:178,542,338, plus strand): 5'-CACTCTATGACCTCAGACTGCAAGTAAGAGCCAATCCCGAAGCGGTTTGTTGCAGCCACA[CG>C]GAACACATACTCATTTCCTTCGGTGAGTCTGGTAAACTTAAACGTGGACCTAGTCACTGA-3'

ClinVar aggregate classification (germline): Pathogenic/Likely pathogenic. Review status: criteria provided, multiple submitters, no conflicts (2 of 4 stars). 3 submissions from 3 submitters: Pathogenic (1); Likely pathogenic (1). 1 of the submissions does not count toward it. Last evaluated 2024-03-01.

Conditions:
Cardiovascular phenotype. Identifiers: MedGen CN230736.
Dilated cardiomyopathy 1G (CMD1G). Identifiers: Orphanet 154, MedGen C1858763, MONDO:0011400, OMIM 604145.
Centronuclear myopathy (CNM). Also called: Myotubular myopathy; Centronuclear myopathy, congenital. Identifiers: Orphanet 595, MedGen C0175709, MONDO:0018947. Inheritance: All.

Submissions (3):

Muscle and Diseases Team, Institut de Génétique et Biologie Moléculaire et Cellulaire
Classification: Likely pathogenic for Centronuclear myopathy. Last evaluated: 2024-03-01. Review status: criteria provided, single submitter. Criteria: ACMG Guidelines, 2015. Collection method: research. Allele origin: unknown. Affected: yes. Observed: 1 variant allele.
Comment: PVS1+PM2

Ambry Genetics
Classification: Pathogenic for Cardiovascular phenotype. Last evaluated: 2023-12-12. Review status: criteria provided, single submitter. Criteria: Ambry Variant Classification Scheme 2023. Collection method: clinical testing. Allele origin: germline.
Comment: The c.70222delC pathogenic mutations, located in coding exon 176 of the TTN gene, results from a deletion of one nucleotide at nucleotide position 70222, causing a translational frameshift with a predicted alternate stop codon (p.R23408Vfs*19). This exon is located in the A-band region of the N2-B isoform of the titin protein and is constitutively expressed in TTN transcripts (percent spliced in or PSI 100%). This variant has been reported in individuals with dilated cardiomyopathy (DCM) (Walsh R et al. Genet Med, 2017 Feb;19:192-203). This variant is considered to be rare based on population cohorts in the Genome Aggregation Database (gnomAD). In addition to the clinical data presented in the literature, this alteration is expected to result in loss of function by premature protein truncation or nonsense-mediated mRNA decay. While truncating variants in TTN are present in 1-3% of the general population, truncating variants in the A-band are the most common cause of dilated cardiomyopathy (DCM) (Herman DS et al. N. Engl. J. Med., 2012 Feb;366:619-28; Roberts AM et al. Sci Transl Med, 2015 Jan;7:270ra6). TTN truncating variants encoded in constitutive exons (PSI >90%) have been found to be significantly associated with DCM regardless of their position in titin (Schafer S et al. Nat. Genet., 2017 01;49:46-53). Based on the supporting evidence, this alteration is interpreted as a disease-causing mutation.

Cardiogenetics and Myogenetics Molecular and Cellular Functional Unit, Aphp Sorbonne University-Hopital Pitie Salpetriere
Classification: Likely pathogenic for Dilated cardiomyopathy 1G. Last evaluated: 2024-01-06. Review status: no assertion criteria provided. Collection method: clinical testing. Allele origin: germline. Affected: yes. Not counted in ClinVar's aggregate classification.

Literature cited by the submitters: DOI 10.1186/s13073-024-01353-0 (cited by Muscle and Diseases Team, Institut de Génétique et Biologie Moléculaire et Cellulaire); PubMed 27532257 (cited by Ambry Genetics).